The following is an entry in ClinVar:

NM_001353345.2(SETD1B):c.44C>T (p.Pro15Leu)

Gene: SETD1B (SET domain containing 1B, histone lysine methyltransferase; plus strand). Cytogenetic location: 12q24.31.
Variant type: single nucleotide variant.
Coding change: c.44C>T on transcript NM_001353345.2 (MANE Select); coding-DNA position 44, C replaced by T.
Protein change: p.Pro15Leu; replaces proline 15 with leucine.
Molecular consequence: missense variant.
Genome position (GRCh38, 1-based): chr12:121,804,781, C>T. VCF-style: chr12-121804781-C-T. GRCh37 (hg19) VCF-style: chr12-122242687-C-T.
Other names: short protein forms P15L.
Identifiers: ClinVar variation 4985429 (VCV004985429.1).

ClinVar aggregate classification (germline): Uncertain significance (1 of 4 stars; one submission).

Conditions:
SETD1B-related disorder. Also called: SETD1B-related condition.

gnomAD v4.1: 10 of 1,550,800 alleles (0.00064%); highest among the groups gnomAD compares: Middle Eastern, 0.017%; no homozygotes.

Submission:

PreventionGenetics, part of Exact Sciences
Classification: Uncertain significance for SETD1B-related condition. Last evaluated: 2025-01-03. Review status: criteria provided, single submitter. Criteria: ACMG Guidelines, 2015. Collection method: clinical testing. Allele origin: germline.
Comment: The SETD1B c.44C>T variant is predicted to result in the amino acid substitution p.Pro15Leu. To our knowledge, this variant has not been reported in the literature. This variant is reported in 0.0065% of alleles in individuals of European (Non-Finnish) descent in gnomAD. At this time, the clinical significance of this variant is uncertain due to the absence of conclusive functional and genetic evidence.